The following is an entry in ClinVar:

NM_002291.3(LAMB1):c.780T>G (p.Tyr260Ter)

Gene: LAMB1 (laminin subunit beta 1; minus strand). Cytogenetic location: 7q31.1.
Variant type: single nucleotide variant.
Coding change: c.780T>G on transcript NM_002291.3 (MANE Select); coding-DNA position 780, T replaced by G.
Protein change: p.Tyr260Ter; replaces tyrosine 260 with a stop codon.
Molecular consequence: nonsense.
Genome position (GRCh38, 1-based): chr7:107,980,708, A>C on the plus strand (T>G on the coding strand, the complement: LAMB1 is on the minus strand). VCF-style: chr7-107980708-A-C. GRCh37 (hg19) VCF-style: chr7-107621153-A-C.
Other names: short protein forms Y260*.
Identifiers: ClinVar variation 3695454 (VCV003695454.2).

ClinVar aggregate classification (germline): Pathogenic (1 of 4 stars; one submission).

Submission:

Labcorp Genetics (formerly Invitae), Labcorp
Classification: Pathogenic. Last evaluated: 2024-10-22. Review status: criteria provided, single submitter. Criteria: Invitae Variant Classification Sherloc (09022015). Collection method: clinical testing. Allele origin: germline.
Comment: This sequence change creates a premature translational stop signal (p.Tyr260*) in the LAMB1 gene. It is expected to result in an absent or disrupted protein product. Loss-of-function variants in LAMB1 are known to be pathogenic (PMID: 23472759, 25925986). This variant is not present in population databases (gnomAD no frequency). This variant has not been reported in the literature in individuals affected with LAMB1-related conditions. Algorithms developed to predict the effect of sequence changes on RNA splicing suggest that this variant may disrupt the consensus splice site. For these reasons, this variant has been classified as Pathogenic.

Literature cited by the submitters: PubMed 23472759; PubMed 25925986.